The following is an entry in ClinVar:

ClinVar aggregate classification (germline): Uncertain significance (1 of 4 stars; one submission).

Submission:

GeneDx
Classification: Uncertain significance. Last evaluated: 2026-03-13. Review status: criteria provided, single submitter. Criteria: GeneDx Variant Classification Process June 2021. Collection method: clinical testing. Allele origin: germline.
Comment: Not observed at significant frequency in large population cohorts (gnomAD); In silico analysis suggests that this missense variant does not alter protein structure/function; Has not been previously published as pathogenic or benign to our knowledge

NM_007118.4(TRIO):c.7234A>T (p.Met2412Leu)

Gene: TRIO (trio Rho guanine nucleotide exchange factor; plus strand). Cytogenetic location: 5p15.2.
Variant type: single nucleotide variant.
Coding change: c.7234A>T on transcript NM_007118.4 (MANE Select); coding-DNA position 7234, A replaced by T.
Protein change: p.Met2412Leu; replaces methionine 2412 with leucine.
Molecular consequence: missense variant.
Genome position (GRCh38, 1-based): chr5:14,487,862, A>T. VCF-style: chr5-14487862-A-T. GRCh37 (hg19) VCF-style: chr5-14487971-A-T.
Other names: short protein forms M2412L.
Identifiers: ClinVar variation 5009194 (VCV005009194.1).